The following is an entry in ClinVar:

NM_006514.4(SCN10A):c.2599C>T (p.Leu867Phe)

Gene: SCN10A (sodium voltage-gated channel alpha subunit 10; minus strand). Cytogenetic location: 3p22.2.
Variant type: single nucleotide variant.
Coding change: c.2599C>T on transcript NM_006514.4 (MANE Select); coding-DNA position 2599, C replaced by T.
Protein change: p.Leu867Phe; replaces leucine 867 with phenylalanine.
Molecular consequence: missense variant.
Genome position (GRCh38, 1-based): chr3:38,728,583, G>A on the plus strand (C>T on the coding strand, the complement: SCN10A is on the minus strand). VCF-style: chr3-38728583-G-A. GRCh37 (hg19) VCF-style: chr3-38770074-G-A.
Other names: c.2599C>T, p.Leu867Phe (NM_001293306.2); c.2305C>T, p.Leu769Phe (NM_001293307.2); short protein forms L769F, L867F.
Identifiers: ClinVar variation 1502577 (VCV001502577.8), dbSNP rs1398369804, ClinGen allele CA352160116.

ClinVar aggregate classification (germline): Conflicting classifications of pathogenicity. Review status: criteria provided, conflicting classifications (1 of 4 stars). 2 submissions from 2 submitters: Uncertain significance (1); Likely benign (1). Last evaluated 2024-09-02.

Conditions:
Brugada syndrome. Also called: Sudden Unexplained Death Syndrome; Sudden Unexplained Nocturnal Death Syndrome (SUNDS); Sudden unexplained nocturnal death syndrome; Sudden unexpected nocturnal death syndrome. Identifiers: Orphanet 130, MedGen C1142166, MONDO:0015263.
Cardiovascular phenotype. Identifiers: MedGen CN230736.

Allele frequency attached by ClinVar (database versions not stated): TOPMed 0.00002; gnomAD exomes 0.00003.
gnomAD v4.1: 11 of 1,608,866 alleles (0.00068%); highest among the groups gnomAD compares: Admixed American, 0.013%; no homozygotes.

Submissions (2):

Labcorp Genetics (formerly Invitae), Labcorp
Classification: Uncertain significance for Brugada syndrome. Last evaluated: 2024-09-02. Review status: criteria provided, single submitter. Criteria: Invitae Variant Classification Sherloc (09022015). Collection method: clinical testing. Allele origin: germline.
Comment: This sequence change replaces leucine, which is neutral and non-polar, with phenylalanine, which is neutral and non-polar, at codon 867 of the SCN10A protein (p.Leu867Phe). This variant is present in population databases (no rsID available, gnomAD 0.02%). This missense change has been observed in individual(s) with clinical features of SCN10A-related conditions (PMID: 31195250). ClinVar contains an entry for this variant (Variation ID: 1502577). Invitae Evidence Modeling of protein sequence and biophysical properties (such as structural, functional, and spatial information, amino acid conservation, physicochemical variation, residue mobility, and thermodynamic stability) indicates that this missense variant is not expected to disrupt SCN10A protein function with a negative predictive value of 80%. Experimental studies are conflicting or provide insufficient evidence to determine the effect of this variant on SCN10A function (PMID: 31195250). In summary, the available evidence is currently insufficient to determine the role of this variant in disease. Therefore, it has been classified as a Variant of Uncertain Significance.

Ambry Genetics
Classification: Likely benign for Cardiovascular phenotype. Last evaluated: 2022-10-19. Review status: criteria provided, single submitter. Criteria: Ambry Variant Classification Scheme 2023. Collection method: clinical testing. Allele origin: germline.

Literature cited by the submitters: PubMed 31195250 (cited by Labcorp Genetics (formerly Invitae), Labcorp).